The following is an entry in ClinVar:

NM_152564.5(VPS13B):c.4756A>C (p.Asn1586His)

Gene: VPS13B (vacuolar protein sorting 13 homolog B; plus strand). Cytogenetic location: 8q22.2.
Variant type: single nucleotide variant.
Coding change: c.4756A>C on transcript NM_152564.5 (MANE Select); coding-DNA position 4756, A replaced by C.
Protein change: p.Asn1586His; replaces asparagine 1586 with histidine.
Molecular consequence: missense variant.
Genome position (GRCh38, 1-based): chr8:99,556,460, A>C. VCF-style: chr8-99556460-A-C. GRCh37 (hg19) VCF-style: chr8-100568688-A-C.
Other names: c.4831A>C, p.Asn1611His (NM_017890.5); short protein forms N1586H, N1611H.
Identifiers: ClinVar variation 1380500 (VCV001380500.4), dbSNP rs1824571709, ClinGen allele CA371868811.

ClinVar aggregate classification (germline): Uncertain significance (1 of 4 stars; one submission).

Conditions:
Cohen syndrome (COH1). Also called: Cutis verticis gyrata, retinitis pigmentosa, and sensorineural deafness; PEPPER SYNDROME. Identifiers: Orphanet 193, MedGen C0265223, MONDO:0008999, OMIM 216550.

Allele frequency attached by ClinVar (database versions not stated): gnomAD exomes below 0.00001; TOPMed below 0.00001.
gnomAD v4.1: 1 of 1,612,600 alleles (0.000062%); highest among the groups gnomAD compares: African/African-American, 0.0013%; no homozygotes.

Submission:

Labcorp Genetics (formerly Invitae), Labcorp
Classification: Uncertain significance for Cohen syndrome. Last evaluated: 2021-09-24. Review status: criteria provided, single submitter. Criteria: Invitae Variant Classification Sherloc (09022015). Collection method: clinical testing. Allele origin: germline.
Comment: In summary, the available evidence is currently insufficient to determine the role of this variant in disease. Therefore, it has been classified as a Variant of Uncertain Significance. Algorithms developed to predict the effect of missense changes on protein structure and function are either unavailable or do not agree on the potential impact of this missense change (SIFT: "Not Available"; PolyPhen-2: "Probably Damaging"; Align-GVGD: "Not Available"). This variant has not been reported in the literature in individuals affected with VPS13B-related conditions. This variant is not present in population databases (ExAC no frequency). This sequence change replaces asparagine with histidine at codon 1611 of the VPS13B protein (p.Asn1611His). The asparagine residue is moderately conserved and there is a small physicochemical difference between asparagine and histidine.